The following is an entry in ClinVar:

NM_004304.5(ALK):c.3450+6_3450+7delinsTG

Gene: ALK (ALK receptor tyrosine kinase; minus strand). Cytogenetic location: 2p23.2.
Variant type: Indel.
Coding change: c.3450+6_3450+7delinsTG on transcript NM_004304.5 (MANE Select); bases 6 to 7 of the intron after coding-DNA position 3450, AA replaced by TG.
Molecular consequence: intron variant.
Genome position (GRCh38, 1-based): chr2:29,222,510-29,222,511, TT replaced by CA on the plus strand (AA replaced by TG on the coding strand, the reverse complement: ALK is on the minus strand). VCF-style: chr2-29222510-TT-CA. GRCh37 (hg19) VCF-style: chr2-29445376-TT-CA.
Other names: c.246+6_246+7delinsTG (NM_001353765.2).
Identifiers: ClinVar variation 1365443 (VCV001365443.6), dbSNP rs2148169081, ClinGen allele CA2573134538.

ClinVar aggregate classification (germline): Uncertain significance (1 of 4 stars; one submission).

Conditions:
Neuroblastoma, susceptibility to, 3. Also called: ALK-Related Neuroblastic Tumor Susceptibility. Identifiers: Orphanet 635, MedGen C2751681, MONDO:0013083, OMIM 613014.

Submission:

Labcorp Genetics (formerly Invitae), Labcorp
Classification: Uncertain significance for Neuroblastoma, susceptibility to, 3. Last evaluated: 2021-07-02. Review status: criteria provided, single submitter. Criteria: Invitae Variant Classification Sherloc (09022015). Collection method: clinical testing. Allele origin: germline.
Comment: In summary, the available evidence is currently insufficient to determine the role of this variant in disease. Therefore, it has been classified as a Variant of Uncertain Significance. Nucleotide substitutions within the consensus splice site are a relatively common cause of aberrant splicing (PMID: 17576681, 9536098). Algorithms developed to predict the effect of sequence changes on RNA splicing suggest that this variant is not likely to affect RNA splicing. This variant has not been reported in the literature in individuals affected with ALK-related conditions. The frequency data for this variant in the population databases is not available, as this variant may be reported as separate entries in the ExAC database. This sequence change falls in intron 21 of the ALK gene. It does not directly change the encoded amino acid sequence of the ALK protein. It affects a nucleotide within the consensus splice site of the intron.

Literature cited by the submitters: PubMed 17576681; PubMed 9536098.